The following is an entry in ClinVar:

ClinVar aggregate classification (germline): Benign. Review status: criteria provided, multiple submitters, no conflicts (2 of 4 stars). 3 submissions from 3 submitters: Benign (3). Last evaluated 2018-06-26.

Conditions:
Hypertrophic cardiomyopathy 8. Also called: MYL3-Related Familial Hypertrophic Cardiomyopathy; CARDIOMYOPATHY, HYPERTROPHIC, MID-LEFT VENTRICULAR CHAMBER TYPE, 1. Identifiers: MedGen C1837471, MONDO:0012111, OMIM 608751.

Allele frequency attached by ClinVar (database versions not stated): gnomAD exomes 0.15194; gnomAD 0.17840 and 0.18278; TOPMed 0.18207; 1000 Genomes Project 30x 0.24735; 1000 Genomes Project 0.25359.
gnomAD v4.1: 102,192 of 640,720 alleles (16%); highest among the groups gnomAD compares: South Asian, 37%; 11,027 homozygotes.

Submissions (3):

GeneDx
Classification: Benign. Last evaluated: 2018-06-26. Review status: criteria provided, single submitter. Criteria: GeneDx Variant Classification Process June 2021. Collection method: clinical testing. Allele origin: germline. Affected: yes.

Illumina Laboratory Services, Illumina
Classification: Benign for Hypertrophic cardiomyopathy 8. Last evaluated: 2018-01-13. Review status: criteria provided, single submitter. Criteria: ICSL Variant Classification Criteria 13 December 2019. Collection method: clinical testing. Allele origin: germline.
Comment: This variant was observed in the ICSL laboratory as part of a predisposition screen in an ostensibly healthy population. It had not been previously curated by ICSL or reported in the Human Gene Mutation Database (HGMD: prior to June 1st, 2018), and was therefore a candidate for classification through an automated scoring system. Utilizing variant allele frequency, disease prevalence and penetrance estimates, and inheritance mode, an automated score was calculated to assess if this variant is too frequent to cause the disease. Based on the score and internal cut-off values, a variant classified as benign is not then subjected to further curation. The score for this variant resulted in a classification of benign for this disease.

Breakthrough Genomics
Classification: Benign. Review status: criteria provided, single submitter. Criteria: ACMG Guidelines, 2015. Collection method: not provided. Allele origin: germline. Inheritance: Autosomal dominant inheritance. Affected: yes.

NM_000258.3(MYL3):c.*89G>A

Gene: MYL3 (myosin light chain 3; minus strand). Cytogenetic location: 3p21.31.
Variant type: single nucleotide variant.
Coding change: c.*89G>A on transcript NM_000258.3 (MANE Select); 89 bases downstream of the stop codon, G replaced by A.
Molecular consequence: 3 prime UTR variant.
Genome position (GRCh38, 1-based): chr3:46,858,026, C>T on the plus strand (G>A on the coding strand, the complement: MYL3 is on the minus strand). VCF-style: chr3-46858026-C-T. GRCh37 (hg19) VCF-style: chr3-46899516-C-T.
Identifiers: ClinVar variation 345568 (VCV000345568.9), dbSNP rs1042973, ClinGen allele CA10618987.